The following is an entry in ClinVar:

NM_014339.7(IL17RA):c.875A>G (p.Asn292Ser)

Gene: IL17RA (interleukin 17 receptor A; plus strand). Cytogenetic location: 22q11.1.
Variant type: single nucleotide variant.
Coding change: c.875A>G on transcript NM_014339.7 (MANE Select); coding-DNA position 875, A replaced by G.
Protein change: p.Asn292Ser; replaces asparagine 292 with serine.
Molecular consequence: missense variant.
Genome position (GRCh38, 1-based): chr22:17,104,754, A>G. VCF-style: chr22-17104754-A-G. GRCh37 (hg19) VCF-style: chr22-17585644-A-G.
Other names: c.875A>G, p.Asn292Ser (NM_001289905.2); short protein forms N292S.
Identifiers: ClinVar variation 2059103 (VCV002059103.4), dbSNP rs369019806, ClinGen allele CA10086526.

ClinVar aggregate classification (germline): Uncertain significance (1 of 4 stars; one submission).

Conditions:
Immunodeficiency 51 (IMD51). Also called: CANDIDIASIS, FAMILIAL, 5. Identifiers: Orphanet 1334, MedGen C4310803, MONDO:0013500, OMIM 613953.

Allele frequency attached by ClinVar (database versions not stated): gnomAD exomes below 0.00001; gnomAD 0.00001; TOPMed 0.00001; ExAC 0.00002; ESP Exome Variant Server 0.00008.
gnomAD v4.1: 4 of 1,613,902 alleles (0.00025%); highest among the groups gnomAD compares: African/African-American, 0.0027%; no homozygotes.

Submission:

Labcorp Genetics (formerly Invitae), Labcorp
Classification: Uncertain significance for Immunodeficiency 51. Last evaluated: 2022-06-02. Review status: criteria provided, single submitter. Criteria: Invitae Variant Classification Sherloc (09022015). Collection method: clinical testing. Allele origin: germline.
Comment: In summary, the available evidence is currently insufficient to determine the role of this variant in disease. Therefore, it has been classified as a Variant of Uncertain Significance. Algorithms developed to predict the effect of missense changes on protein structure and function output the following: SIFT: "Tolerated"; PolyPhen-2: "Possibly Damaging"; Align-GVGD: "Class C0". The serine amino acid residue is found in multiple mammalian species, which suggests that this missense change does not adversely affect protein function. This variant has not been reported in the literature in individuals affected with IL17RA-related conditions. This variant is present in population databases (rs369019806, gnomAD 0.004%). This sequence change replaces asparagine, which is neutral and polar, with serine, which is neutral and polar, at codon 292 of the IL17RA protein (p.Asn292Ser).